The following is an entry in ClinVar:

NM_002519.3(NPAT):c.890A>C (p.Glu297Ala)

Gene: NPAT (nuclear protein, coactivator of histone transcription; minus strand). Cytogenetic location: 11q22.3.
Variant type: single nucleotide variant.
Coding change: c.890A>C on transcript NM_002519.3 (MANE Select); coding-DNA position 890, A replaced by C.
Protein change: p.Glu297Ala; replaces glutamic acid 297 with alanine.
Molecular consequence: missense variant.
Genome position (GRCh38, 1-based): chr11:108,185,248, T>G on the plus strand (A>C on the coding strand, the complement: NPAT is on the minus strand). VCF-style: chr11-108185248-T-G. GRCh37 (hg19) VCF-style: chr11-108055975-T-G.
Other names: c.890A>C, p.Glu297Ala (NM_001321307.1); short protein forms E297A.
Identifiers: ClinVar variation 2073756 (VCV002073756.5), dbSNP rs202128312, ClinGen allele CA6264155.

ClinVar aggregate classification (germline): Uncertain significance. Review status: criteria provided, multiple submitters, no conflicts (2 of 4 stars). 2 submissions from 2 submitters: Uncertain significance (2). Last evaluated 2025-11-03.

Allele frequency attached by ClinVar (database versions not stated): gnomAD 0.00003; gnomAD exomes 0.00005; ExAC 0.00007; ESP Exome Variant Server 0.00008; TOPMed 0.00012.
gnomAD v4.1: 86 of 1,611,180 alleles (0.0053%); highest among the groups gnomAD compares: Middle Eastern, 0.12%; 1 homozygote.

Submissions (2):

Labcorp Genetics (formerly Invitae), Labcorp
Classification: Uncertain significance. Last evaluated: 2025-11-03. Review status: criteria provided, single submitter. Criteria: Invitae Variant Classification Sherloc (09022015). Collection method: clinical testing. Allele origin: germline.
Comment: This sequence change replaces glutamic acid, which is acidic and polar, with alanine, which is neutral and non-polar, at codon 297 of the NPAT protein (p.Glu297Ala). This variant is present in population databases (rs202128312, gnomAD 0.02%). This variant has not been reported in the literature in individuals affected with NPAT-related conditions. ClinVar contains an entry for this variant (Variation ID: 2073756). An algorithm developed to predict the effect of missense changes on protein structure and function (PolyPhen-2) suggests that this variant is likely to be disruptive. In summary, the available evidence is currently insufficient to determine the role of this variant in disease. Therefore, it has been classified as a Variant of Uncertain Significance.

Ambry Genetics
Classification: Uncertain significance. Last evaluated: 2023-02-24. Review status: criteria provided, single submitter. Criteria: Ambry Variant Classification Scheme 2023. Collection method: clinical testing. Allele origin: germline.
Comment: The p.E297A variant (also known as c.890A>C), located in coding exon 10 of the NPAT gene, results from an A to C substitution at nucleotide position 890. The glutamic acid at codon 297 is replaced by alanine, an amino acid with dissimilar properties. This amino acid position is conserved. In addition, this alteration is predicted to be tolerated by in silico analysis. Since supporting evidence is limited at this time, the clinical significance of this alteration remains unclear.